The following is an entry in ClinVar:

NM_004415.4(DSP):c.3808G>A (p.Ala1270Thr)

Gene: DSP (desmoplakin; plus strand). Cytogenetic location: 6p24.3.
Variant type: single nucleotide variant.
Coding change: c.3808G>A on transcript NM_004415.4 (MANE Select); coding-DNA position 3808, G replaced by A.
Protein change: p.Ala1270Thr; replaces alanine 1270 with threonine.
Molecular consequence: missense variant. On other transcripts: intron variant (1).
Genome position (GRCh38, 1-based): chr6:7,579,998, G>A. VCF-style: chr6-7579998-G-A. GRCh37 (hg19) VCF-style: chr6-7580231-G-A.
Other names: c.3808G>A, p.Ala1270Thr (NM_001319034.2); c.3582+226G>A (NM_001008844.3); short protein forms A1270T.
Identifiers: ClinVar variation 4791875 (VCV004791875.2).

ClinVar aggregate classification (germline): Uncertain significance. Review status: criteria provided, multiple submitters, no conflicts (2 of 4 stars). 2 submissions from 2 submitters: Uncertain significance (2). Last evaluated 2026-02-23.

Conditions:
Arrhythmogenic cardiomyopathy with wooly hair and keratoderma. Also called: Carvajal syndrome; Dilated cardiomyopathy with woolly hair and keratoderma; PALMOPLANTAR KERATODERMA WITH LEFT VENTRICULAR CARDIOMYOPATHY AND WOOLLY HAIR; Arrhythmogenic cardiomyopathy with woolly hair and keratoderma. Identifiers: Orphanet 65282, MedGen C1854063, MONDO:0011581, OMIM 605676.
Arrhythmogenic right ventricular dysplasia 8 (ARVD8). Also called: Arrhythmogenic Right Ventricular Dysplasia/Cardiomyopathy 8; ARRHYTHMOGENIC RIGHT VENTRICULAR DYSPLASIA, FAMILIAL, 8; ARRHYTHMOGENIC RIGHT VENTRICULAR CARDIOMYOPATHY 8. Identifiers: MedGen C1843896, MONDO:0011831, OMIM 607450.

gnomAD v4.1: 4 of 1,614,164 alleles (0.00025%); highest among the groups gnomAD compares: Non-Finnish European, 0.00034%; no homozygotes.

Submissions (2):

GeneDx
Classification: Uncertain significance. Last evaluated: 2026-02-23. Review status: criteria provided, single submitter. Criteria: GeneDx Variant Classification Process June 2021. Collection method: clinical testing. Allele origin: germline.
Comment: Not observed at significant frequency in large population cohorts (gnomAD); In silico analysis suggests that this missense variant does not alter protein structure/function; Has not been previously published as pathogenic or benign to our knowledge

Labcorp Genetics (formerly Invitae), Labcorp
Classification: Uncertain significance for Arrhythmogenic cardiomyopathy with wooly hair and keratoderma; Arrhythmogenic right ventricular dysplasia 8. Last evaluated: 2025-12-17. Review status: criteria provided, single submitter. Criteria: Invitae Variant Classification Sherloc (09022015). Collection method: clinical testing. Allele origin: germline.
Comment: This sequence change replaces alanine, which is neutral and non-polar, with threonine, which is neutral and polar, at codon 1270 of the DSP protein (p.Ala1270Thr). This variant is present in population databases (rs752768322, gnomAD 0.0009%). This variant has not been reported in the literature in individuals affected with DSP-related conditions. An algorithm developed to predict the effect of missense changes on protein structure and function (PolyPhen-2) suggests that this variant is likely to be disruptive. In summary, the available evidence is currently insufficient to determine the role of this variant in disease. Therefore, it has been classified as a Variant of Uncertain Significance.